The following is an entry in ClinVar:

ClinVar aggregate classification (germline): Uncertain significance. Review status: criteria provided, multiple submitters, no conflicts (2 of 4 stars). 2 submissions from 2 submitters: Uncertain significance (2). Last evaluated 2022-04-01.

Conditions:
Inborn genetic diseases. Identifiers: MedGen C0950123, MeSH D030342.
Charcot-Marie-Tooth disease dominant intermediate B (CMTDIB). Also called: CHARCOT-MARIE-TOOTH NEUROPATHY, DOMINANT INTERMEDIATE B; Charcot-Marie-Tooth disease dominant intermediate 1; CMT DI1; Charcot-Marie-Tooth disease dominant intermediate I. Identifiers: Orphanet 100044, Orphanet 228179, MedGen C1847902, MONDO:0011674, OMIM 606482.

Allele frequency attached by ClinVar (database versions not stated): ExAC 0.00001; TOPMed 0.00001.

Submissions (2):

Labcorp Genetics (formerly Invitae), Labcorp
Classification: Uncertain significance for Charcot-Marie-Tooth disease dominant intermediate B. Last evaluated: 2022-04-01. Review status: criteria provided, single submitter. Criteria: Invitae Variant Classification Sherloc (09022015). Collection method: clinical testing. Allele origin: germline.
Comment: In summary, the available evidence is currently insufficient to determine the role of this variant in disease. Therefore, it has been classified as a Variant of Uncertain Significance. Algorithms developed to predict the effect of missense changes on protein structure and function are either unavailable or do not agree on the potential impact of this missense change (SIFT: "Deleterious"; PolyPhen-2: "Probably Damaging"; Align-GVGD: "Class C0"). This variant has not been reported in the literature in individuals affected with DNM2-related conditions. This variant is not present in population databases (gnomAD no frequency). This sequence change replaces arginine, which is basic and polar, with tryptophan, which is neutral and slightly polar, at codon 386 of the DNM2 protein (p.Arg386Trp).

Ambry Genetics
Classification: Uncertain significance for Inborn genetic diseases. Last evaluated: 2020-11-04. Review status: criteria provided, single submitter. Criteria: Ambry Variant Classification Scheme 2023. Collection method: clinical testing. Allele origin: germline.
Comment: The p.R386W variant (also known as c.1156C>T), located in coding exon 9 of the DNM2 gene, results from a C to T substitution at nucleotide position 1156. The arginine at codon 386 is replaced by tryptophan, an amino acid with dissimilar properties. This amino acid position is highly conserved in available vertebrate species. In addition, the in silico prediction for this alteration is inconclusive. Since supporting evidence is limited at this time, the clinical significance of this alteration remains unclear.

NM_001005361.3(DNM2):c.1156C>T (p.Arg386Trp)

Gene: DNM2 (dynamin 2; plus strand). Cytogenetic location: 19p13.2.
Variant type: single nucleotide variant.
Coding change: c.1156C>T on transcript NM_001005361.3 (MANE Select); coding-DNA position 1156, C replaced by T.
Protein change: p.Arg386Trp; replaces arginine 386 with tryptophan.
Molecular consequence: missense variant.
Genome position (GRCh38, 1-based): chr19:10,795,399, C>T. VCF-style: chr19-10795399-C-T. GRCh37 (hg19) VCF-style: chr19-10906075-C-T.
Other names: c.1156C>T, p.Arg386Trp (NM_001005360.3, NM_001005362.3, NM_001190716.2 and 1 more transcripts); short protein forms R386W.
Identifiers: ClinVar variation 1735437 (VCV001735437.7), dbSNP rs762179685, ClinGen allele CA9201008.
Genomic context (GRCh38, chr19:10,795,399, plus strand): 5'-CTCCATGCATGTGCTTGGTTTGTCTCTTCTCAGATGGAGTTTGACGAGAAGGACTTACGA[C>T]GGGAGATCAGCTATGCCATTAAGAACATCCATGGAGTCAGGCAAGTTCCACGAGGAGAGT-3'
Protein context (NP_001005361.1, residues 376-396): KMEFDEKDLR[Arg386Trp]EISYAIKNIH